The following is an entry in ClinVar:

ClinVar aggregate classification (germline): Uncertain significance (1 of 4 stars; one submission).

Conditions:
Trichorhinophalangeal dysplasia type I (TRPS1). Also called: TRICHORHINOPHALANGEAL SYNDROME, TYPE I; TRPS I. Identifiers: Orphanet 77258, MedGen C0432233, MONDO:0008596, OMIM 190350.
Trichorhinophalangeal syndrome, type III (TRPS3). Also called: SUGIO-KAJII SYNDROME. Identifiers: Orphanet 77258, MedGen C1860823, OMIM 190351, MONDO:0008597.

Allele frequency attached by ClinVar (database versions not stated): gnomAD exomes below 0.00001; ExAC 0.00001.
gnomAD v4.1: 1 of 1,614,172 alleles (0.000062%); highest among the groups gnomAD compares: Non-Finnish European, 0.000085%; no homozygotes.

Submission:

Labcorp Genetics (formerly Invitae), Labcorp
Classification: Uncertain significance for Trichorhinophalangeal syndrome, type III; Trichorhinophalangeal dysplasia type I. Last evaluated: 2023-01-03. Review status: criteria provided, single submitter. Criteria: Invitae Variant Classification Sherloc (09022015). Collection method: clinical testing. Allele origin: germline.
Comment: In summary, the available evidence is currently insufficient to determine the role of this variant in disease. Therefore, it has been classified as a Variant of Uncertain Significance. Advanced modeling of protein sequence and biophysical properties (such as structural, functional, and spatial information, amino acid conservation, physicochemical variation, residue mobility, and thermodynamic stability) performed at Invitae indicates that this missense variant is not expected to disrupt TRPS1 protein function. This variant has not been reported in the literature in individuals affected with TRPS1-related conditions. This variant is present in population databases (rs766879868, gnomAD 0.0009%). This sequence change replaces lysine, which is basic and polar, with asparagine, which is neutral and polar, at codon 168 of the TRPS1 protein (p.Lys168Asn).

NM_014112.5(TRPS1):c.504G>T (p.Lys168Asn)

Gene: TRPS1 (transcriptional repressor GATA binding 1; minus strand). Cytogenetic location: 8q23.3.
Variant type: single nucleotide variant.
Coding change: c.504G>T on transcript NM_014112.5 (MANE Select); coding-DNA position 504, G replaced by T.
Protein change: p.Lys168Asn; replaces lysine 168 with asparagine.
Molecular consequence: missense variant.
Genome position (GRCh38, 1-based): chr8:115,619,594, C>A on the plus strand (G>T on the coding strand, the complement: TRPS1 is on the minus strand). VCF-style: chr8-115619594-C-A. GRCh37 (hg19) VCF-style: chr8-116631821-C-A.
Other names: c.477G>T, p.Lys159Asn (NM_001282902.3); c.483G>T, p.Lys161Asn (NM_001282903.3); c.465G>T, p.Lys155Asn (NM_001330599.2); short protein forms K155N, K168N, K159N, K161N.
Identifiers: ClinVar variation 2937078 (VCV002937078.3), dbSNP rs766879868, ClinGen allele CA4851989.